The following is an entry in ClinVar:

ClinVar aggregate classification (germline): Pathogenic/Likely pathogenic. Review status: criteria provided, multiple submitters, no conflicts (2 of 4 stars). 2 submissions from 2 submitters: Pathogenic (1); Likely pathogenic (1). Last evaluated 2023-05-05.

Conditions:
Agammaglobulinemia 7, autosomal recessive (AGM7). Also called: AGAMMAGLOBULINEMIA, AUTOSOMAL RECESSIVE, DUE TO PIK3R1 DEFECT. Identifiers: MedGen C3554689, MONDO:0014083, OMIM 615214.
SHORT syndrome. Also called: SHORT STATURE, HYPEREXTENSIBILITY, HERNIA, OCULAR DEPRESSION, RIEGER ANOMALY, AND TEETHING DELAY; LIPODYSTROPHY, PARTIAL, WITH RIEGER ANOMALY AND SHORT STATURE; PIK3R1-Related SHORT Syndrome. Identifiers: Orphanet 3163, MedGen C0878684, MONDO:0010026, OMIM 269880.
Immunodeficiency 36 with lymphoproliferation. Also called: Activated PI3K Delta Syndrome Type 2 (APDS2); ACTIVATED PI3K-DELTA SYNDROME 2; Immunodeficiency 36. Identifiers: Orphanet 397596, Orphanet 693681, MedGen C4014934, MONDO:0014453, OMIM 616005.

Submissions (2):

Baylor Genetics
Classification: Likely pathogenic for SHORT syndrome. Last evaluated: 2023-05-05. Review status: criteria provided, single submitter. Criteria: ACMG Guidelines, 2015. Collection method: clinical testing. Allele origin: unknown.

Labcorp Genetics (formerly Invitae), Labcorp
Classification: Pathogenic for SHORT syndrome; Immunodeficiency 36 with lymphoproliferation; Agammaglobulinemia 7, autosomal recessive. Last evaluated: 2018-12-16. Review status: criteria provided, single submitter. Criteria: Invitae Variant Classification Sherloc (09022015). Collection method: clinical testing. Allele origin: germline.
Comment: For these reasons, this variant has been classified as Pathogenic. Loss-of-function variants in PIK3R1 are known to be pathogenic (PMID: 22351933, 25133428). This variant has not been reported in the literature in individuals with PIK3R1-related conditions. ClinVar contains an entry for this variant (Variation ID: 376258). This variant is not present in population databases (ExAC no frequency). This sequence change creates a premature translational stop signal (p.Arg461*) in the PIK3R1 gene. It is expected to result in an absent or disrupted protein product.

Literature cited by the submitters: PubMed 22351933 (cited by Labcorp Genetics (formerly Invitae), Labcorp); PubMed 25133428 (cited by Labcorp Genetics (formerly Invitae), Labcorp).

NM_181523.3(PIK3R1):c.1381C>T (p.Arg461Ter)

Gene: PIK3R1 (phosphoinositide-3-kinase regulatory subunit 1; plus strand). Cytogenetic location: 5q13.1.
Variant type: single nucleotide variant.
Coding change: c.1381C>T on transcript NM_181523.3 (MANE Select); coding-DNA position 1381, C replaced by T.
Protein change: p.Arg461Ter; replaces arginine 461 with a stop codon.
Molecular consequence: nonsense.
Genome position (GRCh38, 1-based): chr5:68,293,790, C>T. VCF-style: chr5-68293790-C-T. GRCh37 (hg19) VCF-style: chr5-67589618-C-T.
Other names: c.292C>T, p.Arg98Ter (NM_001242466.2); c.571C>T, p.Arg191Ter (NM_181504.4); c.481C>T, p.Arg161Ter (NM_181524.2); short protein forms R461*, R191*, R98*, R161*.
Identifiers: ClinVar variation 376258 (VCV000376258.9), dbSNP rs1057519838, ClinGen allele CA16602707.